The following is an entry in ClinVar:

NM_000321.3(RB1):c.2114T>C (p.Met705Thr)

Gene: RB1 (RB transcriptional corepressor 1; plus strand). Cytogenetic location: 13q14.2.
Variant type: single nucleotide variant.
Coding change: c.2114T>C on transcript NM_000321.3 (MANE Select); coding-DNA position 2114, T replaced by C.
Protein change: p.Met705Thr; replaces methionine 705 with threonine.
Molecular consequence: missense variant.
Genome position (GRCh38, 1-based): chr13:48,463,738, T>C. VCF-style: chr13-48463738-T-C. GRCh37 (hg19) VCF-style: chr13-49037874-T-C.
Other names: c.2114T>C, p.Met705Thr (NM_001407165.1); short protein forms M705T.
Identifiers: ClinVar variation 3231211 (VCV003231211.2), dbSNP rs2138342236, ClinGen allele CA388167014.
Genomic context (GRCh38, chr13:48,463,738, plus strand): 5'-AACAAAACCATGTAATAAAATTCTGACTACTTTTACATCAATTTATTTACTAGATTATGA[T>C]GTGTTCCATGTATGGCATATGCAAAGTGAAGAATATAGACCTTAAATTCAAAATCATTGT-3'
Protein context (NP_000312.2, residues 695-715): MRDRHLDQIM[Met705Thr]CSMYGICKVK

ClinVar aggregate classification (germline): Uncertain significance (1 of 4 stars; one submission).

Conditions:
Hereditary cancer-predisposing syndrome. Also called: Neoplastic Syndromes, Hereditary; Tumor predisposition; Hereditary Cancer Syndrome; Hereditary neoplastic syndrome. Identifiers: Orphanet 140162, MedGen C0027672, MeSH D009386, MONDO:0015356.

Allele frequency attached by ClinVar (database versions not stated): gnomAD exomes below 0.00001.
gnomAD v4.1: 1 of 1,532,662 alleles (0.000065%); highest among the groups gnomAD compares: Non-Finnish European, 0.00009%; no homozygotes.

Submission:

Ambry Genetics
Classification: Uncertain significance for Hereditary cancer-predisposing syndrome. Last evaluated: 2026-07-27. Review status: criteria provided, single submitter. Criteria: Ambry Variant Classification Scheme 2023. Collection method: clinical testing. Allele origin: germline.
Comment: The p.M705T variant (also known as c.2114T>C), located in coding exon 21 of the RB1 gene, results from a T to C substitution at nucleotide position 2114. The methionine at codon 705 is replaced by threonine, an amino acid with similar properties. This amino acid position is highly conserved in available vertebrate species. In addition, this alteration is predicted to be deleterious by in silico analysis. Based on the available evidence, the clinical significance of this variant remains unclear.